The following is an entry in ClinVar:

NM_170606.3(KMT2C):c.1943A>G (p.Glu648Gly)

Gene: KMT2C (lysine methyltransferase 2C; minus strand). Cytogenetic location: 7q36.1.
Variant type: single nucleotide variant.
Coding change: c.1943A>G on transcript NM_170606.3 (MANE Select); coding-DNA position 1943, A replaced by G.
Protein change: p.Glu648Gly; replaces glutamic acid 648 with glycine.
Molecular consequence: missense variant.
Genome position (GRCh38, 1-based): chr7:152,248,491, T>C on the plus strand (A>G on the coding strand, the complement: KMT2C is on the minus strand). VCF-style: chr7-152248491-T-C. GRCh37 (hg19) VCF-style: chr7-151945576-T-C.
Other names: short protein forms E648G.
Identifiers: ClinVar variation 4688336 (VCV004688336.1).
Genomic context (GRCh38, chr7:152,248,491, plus strand): 5'-TGCAGTTGTTCTTGCTGCACAGTGATCTGGTGTGTAACGACTTCAATGTTTTCTGTCACT[T>C]CCATTTTATCTTCAATTTGATCTTCGCCACAAATATGCTTCACTTCAGAAGACATTTTCA-3'
Protein context (NP_733751.2, residues 638-658): CGEDQIEDKM[Glu648Gly]VTENIEVVTH

ClinVar aggregate classification (germline): Uncertain significance (1 of 4 stars; one submission).

Submission:

Women's Health and Genetics/Laboratory Corporation of America, LabCorp
Classification: Uncertain significance. Last evaluated: 2025-12-12. Review status: criteria provided, single submitter. Criteria: LabCorp Variant Classification Summary - May 2015. Collection method: clinical testing. Allele origin: germline.
Comment: Variant summary: KMT2C c.1943A>G (p.Glu648Gly) results in a non-conservative amino acid change in the encoded protein sequence. Algorithms developed to predict the effect of missense changes on protein structure and function are either unavailable or do not agree on the potential impact of this missense change. The variant was absent in 251016 control chromosomes. The available data on variant occurrences in the general population are insufficient to allow any conclusion about variant significance. To our knowledge, no occurrence of c.1943A>G in individuals affected with KMT2C-related conditions and no experimental evidence demonstrating its impact on protein function have been reported. No submitters have cited clinical-significance assessments for this variant to ClinVar. Based on the evidence outlined above, the variant was classified as uncertain significance.